The following is an entry in ClinVar:

ClinVar aggregate classification (germline): Uncertain significance (1 of 4 stars; one submission).

Conditions:
Inborn genetic diseases. Identifiers: MedGen C0950123, MeSH D030342.

Submission:

Ambry Genetics
Classification: Uncertain significance for Inborn genetic diseases. Last evaluated: 2023-01-21. Review status: criteria provided, single submitter. Criteria: Ambry Variant Classification Scheme 2023. Collection method: clinical testing. Allele origin: germline.
Comment: The p.F244I variant (also known as c.730T>A), located in coding exon 6 of the EPAS1 gene, results from a T to A substitution at nucleotide position 730. The phenylalanine at codon 244 is replaced by isoleucine, an amino acid with highly similar properties. This amino acid position is conserved. In addition, this alteration is predicted to be deleterious by in silico analysis. Since supporting evidence is limited at this time, the clinical significance of this alteration remains unclear.

NM_001430.5(EPAS1):c.730T>A (p.Phe244Ile)

Genes: EPAS1 (endothelial PAS domain protein 1; plus strand), LOC126806210 (BRD4-independent group 4 enhancer GRCh37_chr2:46587586-46588785; plus strand). Cytogenetic location: 2p21.
Variant type: single nucleotide variant.
Coding change: c.730T>A on transcript NM_001430.5 (MANE Select); coding-DNA position 730, T replaced by A.
Protein change: p.Phe244Ile; replaces phenylalanine 244 with isoleucine.
Molecular consequence: missense variant.
Genome position (GRCh38, 1-based): chr2:46,361,041, T>A. VCF-style: chr2-46361041-T-A. GRCh37 (hg19) VCF-style: chr2-46588180-T-A.
Other names: short protein forms F244I.
Identifiers: ClinVar variation 2450314 (VCV002450314.2), dbSNP rs2546455591, ClinGen allele CA346700294.